The following is an entry in ClinVar:

NM_004415.4(DSP):c.6073C>T (p.Pro2025Ser)

Gene: DSP (desmoplakin; plus strand). Cytogenetic location: 6p24.3.
Variant type: single nucleotide variant.
Coding change: c.6073C>T on transcript NM_004415.4 (MANE Select); coding-DNA position 6073, C replaced by T.
Protein change: p.Pro2025Ser; replaces proline 2025 with serine.
Molecular consequence: missense variant.
Genome position (GRCh38, 1-based): chr6:7,583,335, C>T. VCF-style: chr6-7583335-C-T. GRCh37 (hg19) VCF-style: chr6-7583568-C-T.
Other names: c.4276C>T, p.Pro1426Ser (NM_001008844.3); c.4744C>T, p.Pro1582Ser (NM_001319034.2); c.6073C>T (NM_004415.2); short protein forms P1582S, P1426S, P2025S.
Identifiers: ClinVar variation 666381 (VCV000666381.16), dbSNP rs1759514545, ClinGen allele CA362690019.
Genomic context (GRCh38, chr6:7,583,335, plus strand): 5'-GCTTCTGAAATCCAGCCATTCCTTCGGGGTGCAGGATCTATCGCTGGAGCATCTGCTTCT[C>T]CTAAGGAAAAATACTCTTTGGTAGAGGCCAAGAGAAAGAAATTAATCAGCCCAGAATCCA-3'
Protein context (NP_004406.2, residues 2015-2035): AGSIAGASAS[Pro2025Ser]KEKYSLVEAK

ClinVar aggregate classification (germline): Uncertain significance. Review status: criteria provided, multiple submitters, no conflicts (2 of 4 stars). 6 submissions from 6 submitters: Uncertain significance (4). 2 of the submissions do not count toward it. Last evaluated 2023-05-29.

Conditions:
Cardiovascular phenotype. Identifiers: MedGen CN230736.
Arrhythmogenic cardiomyopathy with wooly hair and keratoderma. Also called: PALMOPLANTAR KERATODERMA WITH LEFT VENTRICULAR CARDIOMYOPATHY AND WOOLLY HAIR; Arrhythmogenic cardiomyopathy with woolly hair and keratoderma; Dilated cardiomyopathy with woolly hair and keratoderma; Carvajal syndrome. Identifiers: Orphanet 65282, MedGen C1854063, MONDO:0011581, OMIM 605676.
Arrhythmogenic right ventricular dysplasia 8 (ARVD8). Also called: ARRHYTHMOGENIC RIGHT VENTRICULAR DYSPLASIA, FAMILIAL, 8; ARRHYTHMOGENIC RIGHT VENTRICULAR CARDIOMYOPATHY 8; Arrhythmogenic Right Ventricular Dysplasia/Cardiomyopathy 8. Identifiers: MedGen C1843896, MONDO:0011831, OMIM 607450.
Cardiomyopathy (CMYO). Also called: Cardiomyopathies. Identifiers: Orphanet 167848, MedGen C0878544, MONDO:0004994, HP:0001638. Inheritance: Various modes of inheritance.

Allele frequency attached by ClinVar (database versions not stated): gnomAD exomes below 0.00001; TOPMed below 0.00001.
gnomAD v4.1: 8 of 1,614,132 alleles (0.0005%); highest among the groups gnomAD compares: Non-Finnish European, 0.00059%; no homozygotes.

Submissions (6):

Ambry Genetics
Classification: Uncertain significance for Cardiovascular phenotype. Last evaluated: 2023-05-29. Review status: criteria provided, single submitter. Criteria: Ambry Variant Classification Scheme 2023. Collection method: clinical testing. Allele origin: germline.
Comment: The p.P2025S variant (also known as c.6073C>T), located in coding exon 24 of the DSP gene, results from a C to T substitution at nucleotide position 6073. The proline at codon 2025 is replaced by serine, an amino acid with similar properties. This alteration has been reported in a primary electrical disease cohort; however, clinical details were limited (Proost D et al. J Mol Diagn, 2017 May;19:445-459). This amino acid position is well conserved in available vertebrate species. In addition, this alteration is predicted to be tolerated by in silico analysis. Since supporting evidence is limited at this time, the clinical significance of this alteration remains unclear.

All of Us Research Program, National Institutes of Health
Classification: Uncertain significance for Arrhythmogenic cardiomyopathy with wooly hair and keratoderma. Last evaluated: 2023-01-10. Review status: criteria provided, single submitter. Criteria: ACMG Guidelines, 2015. Collection method: clinical testing. Allele origin: germline. Inheritance: Autosomal dominant inheritance. Observed: 1 variant allele, 1 heterozygote.
Comment: This missense variant replaces proline with serine at codon 2025 of the DSP protein. Computational prediction suggests that this variant may not impact protein structure and function (internally defined REVEL score threshold <= 0.5, PMID: 27666373). To our knowledge, functional studies have not been reported for this variant. This variant has been reported in an individual affected with primary electrical disease (PMID: 28341588). This variant has not been identified in the general population by the Genome Aggregation Database (gnomAD). The available evidence is insufficient to determine the role of this variant in disease conclusively. Therefore, this variant is classified as a Variant of Uncertain Significance.

This study involves interpretation of variants in research participants for the purpose of population health screening. Participant phenotype was not available at the time of variant classification. Additional details can be found in publication PMID: 35346344, PMCID: PMC8962531

Color Diagnostics, LLC DBA Color Health
Classification: Uncertain significance for Cardiomyopathy. Last evaluated: 2022-11-09. Review status: criteria provided, single submitter. Criteria: ACMG Guidelines, 2015. Collection method: clinical testing. Allele origin: germline.
Comment: This missense variant replaces proline with serine at codon 2025 of the DSP protein. Computational prediction suggests that this variant may not impact protein structure and function (internally defined REVEL score threshold <= 0.5, PMID: 27666373). To our knowledge, functional studies have not been reported for this variant. This variant has been reported in an individual affected with primary electrical disease (PMID: 28341588). This variant has not been identified in the general population by the Genome Aggregation Database (gnomAD). The available evidence is insufficient to determine the role of this variant in disease conclusively. Therefore, this variant is classified as a Variant of Uncertain Significance.

Labcorp Genetics (formerly Invitae), Labcorp
Classification: Uncertain significance for Arrhythmogenic cardiomyopathy with wooly hair and keratoderma; Arrhythmogenic right ventricular dysplasia 8. Last evaluated: 2022-08-19. Review status: criteria provided, single submitter. Criteria: Invitae Variant Classification Sherloc (09022015). Collection method: clinical testing. Allele origin: germline.
Comment: Algorithms developed to predict the effect of missense changes on protein structure and function (SIFT, PolyPhen-2, Align-GVGD) all suggest that this variant is likely to be disruptive. This sequence change replaces proline, which is neutral and non-polar, with serine, which is neutral and polar, at codon 2025 of the DSP protein (p.Pro2025Ser). This variant is not present in population databases (gnomAD no frequency). This variant has not been reported in the literature in individuals affected with DSP-related conditions. ClinVar contains an entry for this variant (Variation ID: 666381). In summary, the available evidence is currently insufficient to determine the role of this variant in disease. Therefore, it has been classified as a Variant of Uncertain Significance.

Clinical Genetics, Academic Medical Center
Classification: Uncertain significance. Review status: no assertion criteria provided. Collection method: clinical testing. Allele origin: germline. Affected: yes. Study: VKGL Data-share Consensus. Not counted in ClinVar's aggregate classification.

Genome Diagnostics Laboratory, University Medical Center Utrecht
Classification: Uncertain significance. Review status: no assertion criteria provided. Collection method: clinical testing. Allele origin: germline. Affected: yes. Study: VKGL Data-share Consensus. Not counted in ClinVar's aggregate classification.

Literature cited by the submitters: PubMed 28341588 (cited by 3 submitters).